The following is an entry in ClinVar:

ClinVar aggregate classification (germline): Uncertain significance. Review status: criteria provided, multiple submitters, no conflicts (2 of 4 stars). 2 submissions from 2 submitters: Uncertain significance (2). Last evaluated 2025-08-11.

Conditions:
Hereditary cancer-predisposing syndrome. Also called: Hereditary Cancer Syndrome; Hereditary neoplastic syndrome; Neoplastic Syndromes, Hereditary; Tumor predisposition. Identifiers: Orphanet 140162, MedGen C0027672, MeSH D009386, MONDO:0015356.
EGFR-related lung cancer (EGFR). Identifiers: MedGen CN130014.

gnomAD v4.1: 2 of 1,613,082 alleles (0.00012%); highest among the groups gnomAD compares: Admixed American, 0.0017%; no homozygotes.

Submissions (2):

Labcorp Genetics (formerly Invitae), Labcorp
Classification: Uncertain significance for EGFR-related lung cancer. Last evaluated: 2025-08-11. Review status: criteria provided, single submitter. Criteria: Invitae Variant Classification Sherloc (09022015). Collection method: clinical testing. Allele origin: germline.
Comment: This sequence change replaces arginine, which is basic and polar, with proline, which is neutral and non-polar, at codon 1068 of the EGFR protein (p.Arg1068Pro). This variant is present in population databases (no rsID available, gnomAD 0.003%). This variant has not been reported in the literature in individuals affected with EGFR-related conditions. ClinVar contains an entry for this variant (Variation ID: 1429669). An algorithm developed to predict the effect of missense changes on protein structure and function (PolyPhen-2) suggests that this variant is likely to be disruptive. In summary, the available evidence is currently insufficient to determine the role of this variant in disease. Therefore, it has been classified as a Variant of Uncertain Significance.

Ambry Genetics
Classification: Uncertain significance for Hereditary cancer-predisposing syndrome. Last evaluated: 2025-04-01. Review status: criteria provided, single submitter. Criteria: Ambry Variant Classification Scheme 2023. Collection method: clinical testing. Allele origin: germline.
Comment: The p.R1068P variant (also known as c.3203G>C), located in coding exon 27 of the EGFR gene, results from a G to C substitution at nucleotide position 3203. The arginine at codon 1068 is replaced by proline, an amino acid with dissimilar properties. This amino acid position is conserved. In addition, the in silico prediction for this alteration is inconclusive. Based on the available evidence, the clinical significance of this variant remains unclear.

NM_005228.5(EGFR):c.3203G>C (p.Arg1068Pro)

Gene: EGFR (epidermal growth factor receptor; plus strand). Cytogenetic location: 7p11.2.
Variant type: single nucleotide variant.
Coding change: c.3203G>C on transcript NM_005228.5 (MANE Select); coding-DNA position 3203, G replaced by C.
Protein change: p.Arg1068Pro; replaces arginine 1068 with proline.
Molecular consequence: missense variant.
Genome position (GRCh38, 1-based): chr7:55,202,557, G>C. VCF-style: chr7-55202557-G-C. GRCh37 (hg19) VCF-style: chr7-55270250-G-C.
Other names: c.3068G>C, p.Arg1023Pro (NM_001346897.2, NM_001346899.2); c.3203G>C, p.Arg1068Pro (NM_001346898.2); c.3044G>C, p.Arg1015Pro (NM_001346900.2); c.2402G>C, p.Arg801Pro (NM_001346941.2); c.3203G>C (NM_005228.3); short protein forms R1023P, R1068P, R801P, R1015P.
Identifiers: ClinVar variation 1429669 (VCV001429669.9), dbSNP rs374501041, ClinGen allele CA367583327.